The following is an entry in ClinVar:

ClinVar aggregate classification (germline): Benign/Likely benign. Review status: criteria provided, multiple submitters, no conflicts (2 of 4 stars). 4 submissions from 4 submitters: Benign (1); Likely benign (2). 1 of the submissions does not count toward it. Last evaluated 2026-02-01.

Conditions:
KATNIP-related disorder. Also called: KATNIP-related condition.

Allele frequency attached by ClinVar (database versions not stated): 1000 Genomes Project 0.00060; 1000 Genomes Project 30x 0.00062; TOPMed 0.00125; ESP Exome Variant Server 0.00146; gnomAD exomes 0.00152 and 0.00177; ExAC 0.00159; gnomAD 0.00183 and 0.00191.
gnomAD v4.1: 2,859 of 1,612,408 alleles (0.18%); highest among the groups gnomAD compares: Non-Finnish European, 0.2%; 5 homozygotes.

Submissions (4):

Labcorp Genetics (formerly Invitae), Labcorp
Classification: Benign. Last evaluated: 2026-02-01. Review status: criteria provided, single submitter. Criteria: Invitae Variant Classification Sherloc (09022015). Collection method: clinical testing. Allele origin: germline.

CeGaT Center for Human Genetics Tuebingen
Classification: Likely benign. Last evaluated: 2025-11-01. Review status: criteria provided, single submitter. Criteria: CeGaT Center For Human Genetics Tuebingen Variant Classification Criteria Version 2. Collection method: clinical testing. Allele origin: germline. Affected: yes. Observed: 18 variant alleles.
Comment: KATNIP: BP4, BP7

Blueprint Genetics
Classification: Likely benign. Last evaluated: 2024-11-22. Review status: criteria provided, single submitter. Criteria: ACMG Guidelines, 2015. Collection method: clinical testing. Allele origin: germline.

PreventionGenetics, part of Exact Sciences
Classification: Likely benign for KATNIP-related condition. Last evaluated: 2019-04-26. Review status: no assertion criteria provided. Collection method: clinical testing. Allele origin: germline. Not counted in ClinVar's aggregate classification.
Comment: This variant is classified as likely benign based on ACMG/AMP sequence variant interpretation guidelines (Richards et al. 2015 PMID: 25741868, with internal and published modifications).

NM_015202.5(KATNIP):c.1764G>A (p.Lys588=)

Gene: KATNIP (katanin interacting protein; plus strand). Cytogenetic location: 16p12.1.
Variant type: single nucleotide variant.
Coding change: c.1764G>A on transcript NM_015202.5 (MANE Select); coding-DNA position 1764, G replaced by A.
Protein change: p.Lys588=; no amino-acid change (lysine 588 retained).
Molecular consequence: synonymous variant.
Genome position (GRCh38, 1-based): chr16:27,740,061, G>A. VCF-style: chr16-27740061-G-A. GRCh37 (hg19) VCF-style: chr16-27751382-G-A.
Other names: c.1764G>A (NM_015202.3).
Identifiers: ClinVar variation 724776 (VCV000724776.35), dbSNP rs148440556, ClinGen allele CA7977830.